The following is an entry in ClinVar:

ClinVar aggregate classification (germline): Uncertain significance (1 of 4 stars; one submission).

gnomAD v4.1: 16 of 1,562,642 alleles (0.001%); highest among the groups gnomAD compares: South Asian, 0.009%; no homozygotes.

Submission:

GeneDx
Classification: Uncertain significance. Last evaluated: 2024-05-01. Review status: criteria provided, single submitter. Criteria: GeneDx Variant Classification Process June 2021. Collection method: clinical testing. Allele origin: germline. Affected: yes.
Comment: Stop codon loss and change to a tryptophan codon, leading to protein extension and the addition of 14 amino acids at the C-terminus; Has not been previously published as pathogenic or benign to our knowledge; Reported using an alternate transcript of the gene

NM_000829.4(GRIA4):c.1269+1363A>G

Gene: GRIA4 (glutamate ionotropic receptor AMPA type subunit 4; plus strand). Cytogenetic location: 11q22.3.
Variant type: single nucleotide variant.
Coding change: c.1269+1363A>G on transcript NM_000829.4 (MANE Select); 1363 bases into the intron after coding-DNA position 1269, A replaced by G.
Molecular consequence: intron variant. On other transcripts: stop lost (2).
Genome position (GRCh38, 1-based): chr11:105,911,908, A>G. VCF-style: chr11-105911908-A-G. GRCh37 (hg19) VCF-style: chr11-105782634-A-G.
Other names: c.1302A>G, p.Ter434Trp (NM_001077244.2, NM_001112812.2); c.1269+1363A>G (NM_001077243.3).
Identifiers: ClinVar variation 3373248 (VCV003373248.1).